The following is an entry in ClinVar:

NM_001034850.3(RETREG1):c.873+2T>C

Gene: RETREG1 (reticulophagy regulator 1; minus strand). Cytogenetic location: 5p15.1.
Variant type: single nucleotide variant.
Coding change: c.873+2T>C on transcript NM_001034850.3 (MANE Select); the canonical splice donor site of the intron after coding-DNA position 873, T replaced by C.
Molecular consequence: splice donor variant.
Genome position (GRCh38, 1-based): chr5:16,478,032, A>G on the plus strand (T>C on the coding strand, the complement: RETREG1 is on the minus strand). VCF-style: chr5-16478032-A-G. GRCh37 (hg19) VCF-style: chr5-16478141-A-G.
Other names: IVS7DS, T-C, +2; c.450+2T>C (NM_019000.5).
Identifiers: ClinVar variation 21259 (VCV000021259.6), dbSNP rs137852738, ClinGen allele CA341808.
Genomic context (GRCh38, chr5:16,478,032, plus strand): 5'-ATGCATACATGCATTTACAGTCAAACCACACAGGAACAAATTGAAAACTAAACAAAAAAT[A>G]CCTTAGGACAAAGAGCTGAAAAGTCTAATTCACTGTCATCTTTGTGACTTTTTTCTTTGT-3'

ClinVar aggregate classification (germline): Pathogenic. Review status: criteria provided, single submitter (1 of 4 stars). 4 submissions from 4 submitters: Pathogenic (1). 3 of the submissions do not count toward it. Last evaluated 2023-12-20.

Conditions:
Charcot-Marie-Tooth disease. Also called: Charcot-Marie-Tooth Hereditary Neuropathy; Charcot-Marie-Tooth Neuropathy. Identifiers: Orphanet 166, MedGen C0007959, MONDO:0015626.
Hereditary sensory and autonomic neuropathy type 2. Also called: Hereditary Sensory and Autonomic Neuropathy Type II; Hereditary sensory neuropathy type 2; HSN Type II. Identifiers: Orphanet 970, MedGen C0020072, MONDO:0019941.
Neuropathy, hereditary sensory and autonomic, type 2B (HSAN2B). Also called: RETREG1-Related HSAN2 (HSAN2B). Identifiers: Orphanet 970, MedGen C2751092, MONDO:0013142, OMIM 613115.

Submissions (4):

GeneDx
Classification: Pathogenic. Last evaluated: 2023-12-20. Review status: criteria provided, single submitter. Criteria: GeneDx Variant Classification Process June 2021. Collection method: clinical testing. Allele origin: germline. Affected: yes.
Comment: Canonical splice site variant predicted to result in a null allele in a gene for which loss of function is a known mechanism of disease; Not observed at significant frequency in large population cohorts (gnomAD); This variant is associated with the following publications: (PMID: 25525159, 35332675, 37448294, 19838196)

Inherited Neuropathy Consortium Ii, University Of Miami
Classification: Uncertain significance for Hereditary sensory and autonomic neuropathy type 2. Last evaluated: 2016-01-06. Review status: no assertion criteria provided. Collection method: literature only. Allele origin: germline. Affected: yes. Not counted in ClinVar's aggregate classification.

OMIM
Classification: Pathogenic for NEUROPATHY, HEREDITARY SENSORY AND AUTONOMIC, TYPE IIB. Last evaluated: 2009-11-01. Review status: no assertion criteria provided. Collection method: literature only. Allele origin: germline. Not counted in ClinVar's aggregate classification.

Inherited Neuropathy Consortium
Classification: Uncertain significance for Charcot-Marie-Tooth disease. Review status: no assertion criteria provided. Collection method: literature only. Allele origin: germline. Affected: yes. Not counted in ClinVar's aggregate classification.

Literature cited by the submitters: PubMed 19838196 (cited by 3 submitters).